The following is an entry in ClinVar:

NM_001242896.3(DEPDC5):c.1800del (p.Phe601fs)

Gene: DEPDC5 (DEP domain containing 5, GATOR1 subcomplex subunit; plus strand). Cytogenetic location: 22q12.3.
Variant type: Deletion.
Coding change: c.1800del on transcript NM_001242896.3 (MANE Select); coding-DNA position 1800, one base deleted (C; older notation c.1800delC).
Protein change: p.Phe601fs; shifts the reading frame from phenylalanine 601.
Molecular consequence: frameshift variant. On other transcripts: non-coding transcript variant (5).
Genome position (GRCh38, 1-based): chr22:31,819,155, C deleted; the last of 4 consecutive C bases (chr22:31,819,152-31,819,155); deleting any one gives the same sequence. VCF-style (leftmost placement, unchanged base first): chr22-31819151-AC-A. GRCh37 (hg19) VCF-style: chr22-32215137-AC-A.
Other names: c.1800del, p.Phe601fs (NM_001136029.4, NM_001242897.2, NM_001363852.2 and 6 more transcripts); c.1716del, p.Phe573fs (NM_001369901.1, NM_001369902.1); short protein forms F601fs, F573fs.
Identifiers: ClinVar variation 1454587 (VCV001454587.6), dbSNP rs2148802008, ClinGen allele CA2573158154.

ClinVar aggregate classification (germline): Pathogenic (1 of 4 stars; one submission).

Conditions:
Familial focal epilepsy with variable foci (FPEVF). Identifiers: Orphanet 98820, MedGen C1858477, MONDO:0020310.

Submission:

Labcorp Genetics (formerly Invitae), Labcorp
Classification: Pathogenic for Familial focal epilepsy with variable foci. Last evaluated: 2021-05-01. Review status: criteria provided, single submitter. Criteria: Invitae Variant Classification Sherloc (09022015). Collection method: clinical testing. Allele origin: germline.
Comment: This variant is not present in population databases (ExAC no frequency). This variant has not been reported in the literature in individuals with DEPDC5-related conditions. For these reasons, this variant has been classified as Pathogenic. This sequence change creates a premature translational stop signal (p.Phe601Serfs*8) in the DEPDC5 gene. It is expected to result in an absent or disrupted protein product. Loss-of-function variants in DEPDC5 are known to be pathogenic (PMID: 23542697, 23542701).

Literature cited by the submitters: PubMed 23542697; PubMed 23542701.